The following is an entry in ClinVar:

ClinVar aggregate classification (germline): Uncertain significance (1 of 4 stars; one submission).

Conditions:
Hereditary cancer-predisposing syndrome. Also called: Hereditary Cancer Syndrome; Neoplastic Syndromes, Hereditary; Tumor predisposition; Hereditary neoplastic syndrome. Identifiers: Orphanet 140162, MedGen C0027672, MeSH D009386, MONDO:0015356.

Allele frequency attached by ClinVar (database versions not stated): gnomAD exomes below 0.00001.
gnomAD v4.1: 4 of 1,614,232 alleles (0.00025%); highest among the groups gnomAD compares: Non-Finnish European, 0.00034%; no homozygotes.

Submission:

Ambry Genetics
Classification: Uncertain significance for Hereditary cancer-predisposing syndrome. Last evaluated: 2021-07-18. Review status: criteria provided, single submitter. Criteria: Ambry Variant Classification Scheme 2023. Collection method: clinical testing. Allele origin: germline.
Comment: The p.E181Q variant (also known as c.541G>C), located in coding exon 3 of the XRCC2 gene, results from a G to C substitution at nucleotide position 541. The glutamic acid at codon 181 is replaced by glutamine, an amino acid with highly similar properties. This amino acid position is conserved. In addition, this alteration is predicted to be tolerated by in silico analysis. Since supporting evidence is limited at this time, the clinical significance of this alteration remains unclear.

NM_005431.2(XRCC2):c.541G>C (p.Glu181Gln)

Gene: XRCC2 (X-ray repair cross complementing 2; minus strand). Cytogenetic location: 7q36.1.
Variant type: single nucleotide variant.
Coding change: c.541G>C on transcript NM_005431.2 (MANE Select); coding-DNA position 541, G replaced by C.
Protein change: p.Glu181Gln; replaces glutamic acid 181 with glutamine.
Molecular consequence: missense variant.
Genome position (GRCh38, 1-based): chr7:152,648,944, C>G on the plus strand (G>C on the coding strand, the complement: XRCC2 is on the minus strand). VCF-style: chr7-152648944-C-G. GRCh37 (hg19) VCF-style: chr7-152346029-C-G.
Other names: short protein forms E181Q.
Identifiers: ClinVar variation 1747432 (VCV001747432.2), dbSNP rs2485881051, ClinGen allele CA370198471.
Genomic context (GRCh38, chr7:152,648,944, plus strand): 5'-TCTGCATTATAGTTTGTGTCGTTGCAAAAAGAACCAGGCGATAGTCATTTACAAGCTTCT[C>G]TAAGCACTGAGAACATTTCCTCAGAGTAGACTCCTGTAAGTTCACACTTTCTCCTCCATT-3'
Protein context (NP_005422.1, residues 171-191): STLRKCSQCL[Glu181Gln]KLVNDYRLVL